The following is an entry in ClinVar:

NM_001887.4(CRYBB1):c.612_613insG (p.Gln205fs)

Genes: CRYBB1 (crystallin beta B1; minus strand), CRYBA4 (crystallin beta A4; plus strand). Cytogenetic location: 22q12.1.
Variant type: Insertion.
Coding change: c.612_613insG on transcript NM_001887.4 (MANE Select); coding-DNA positions 612 to 613, G inserted.
Protein change: p.Gln205fs; shifts the reading frame from glutamine 205.
Molecular consequence: frameshift variant.
Genome position: GRCh38 VCF-style: chr22-26599636-G-GC. GRCh37 (hg19) VCF-style: chr22-26995600-G-GC.
Other names: short protein forms Q205fs.
Identifiers: ClinVar variation 4996346 (VCV004996346.1).

ClinVar aggregate classification (germline): Likely pathogenic (1 of 4 stars; one submission).

Conditions:
CRYBB1-related disorder. Also called: CRYBB1-related condition.

Submission:

PreventionGenetics, part of Exact Sciences
Classification: Likely pathogenic for CRYBB1-related condition. Last evaluated: 2026-01-12. Review status: criteria provided, single submitter. Criteria: ACMG Guidelines, 2015. Collection method: clinical testing. Allele origin: germline.
Comment: The CRYBB1 c.612_613insG variant is predicted to result in a frameshift and premature protein termination (p.Gln205Alafs*8). To our knowledge, this variant has not been reported in the literature. This variant is absent in a large population database (gnomAD), indicating this variant is rare. This variant resides in the final exon of this gene, and it is unclear if the resulting mRNA would undergo nonsense-mediated decay; however, predicted loss-of-function variants in this exon of CRYBB1 have been documented as causative of autosomal dominant disease (Mackay et al. 2002. PubMed ID: 12360425; Willoughby et al. 2005. PubMed ID: 16110300; Yang et al. 2008. PubMed ID: 18432316). This variant is interpreted as likely pathogenic for autosomal dominant disease.